The following is an entry in ClinVar:

ClinVar aggregate classification (germline): Uncertain significance. Review status: criteria provided, multiple submitters, no conflicts (2 of 4 stars). 4 submissions from 4 submitters: Uncertain significance (4). Last evaluated 2025-07-14.

Conditions:
ANKS6-related disorder. Also called: ANKS6-related condition.
Nephronophthisis 16 (NPHP16). Identifiers: Orphanet 655, MedGen C3809320, MONDO:0014158, OMIM 615382.
Inborn genetic diseases. Identifiers: MedGen C0950123, MeSH D030342.

Allele frequency attached by ClinVar (database versions not stated): gnomAD 0.00003; TOPMed 0.00012.

Submissions (4):

Labcorp Genetics (formerly Invitae), Labcorp
Classification: Uncertain significance for Nephronophthisis 16. Last evaluated: 2025-07-14. Review status: criteria provided, single submitter. Criteria: Invitae Variant Classification Sherloc (09022015). Collection method: clinical testing. Allele origin: germline.
Comment: This sequence change replaces glutamic acid, which is acidic and polar, with glutamine, which is neutral and polar, at codon 3 of the ANKS6 protein (p.Glu3Gln). This variant is not present in population databases (gnomAD no frequency). This variant has not been reported in the literature in individuals affected with ANKS6-related conditions. ClinVar contains an entry for this variant (Variation ID: 962631). An algorithm developed to predict the effect of missense changes on protein structure and function (PolyPhen-2) suggests that this variant is likely to be disruptive. In summary, the available evidence is currently insufficient to determine the role of this variant in disease. Therefore, it has been classified as a Variant of Uncertain Significance.

PreventionGenetics, part of Exact Sciences
Classification: Uncertain significance for ANKS6-related condition. Last evaluated: 2024-12-20. Review status: criteria provided, single submitter. Criteria: ACMG Guidelines, 2015. Collection method: clinical testing. Allele origin: germline.
Comment: The ANKS6 c.7G>C variant is predicted to result in the amino acid substitution p.Glu3Gln. To our knowledge, this variant has not been reported in the literature. This variant is reported in 0.0% of alleles in individuals of African descent in gnomAD. At this time, the clinical significance of this variant is uncertain due to the absence of conclusive functional and genetic evidence.

Fulgent Genetics
Classification: Uncertain significance for Nephronophthisis 16. Last evaluated: 2022-03-31. Review status: criteria provided, single submitter. Criteria: ACMG Guidelines, 2015. Collection method: clinical testing. Allele origin: unknown.

Ambry Genetics
Classification: Uncertain significance for Inborn genetic diseases. Last evaluated: 2021-07-09. Review status: criteria provided, single submitter. Criteria: Ambry Variant Classification Scheme 2023. Collection method: clinical testing. Allele origin: germline.

NM_173551.5(ANKS6):c.7G>C (p.Glu3Gln)

Gene: ANKS6 (ankyrin repeat and sterile alpha motif domain containing 6; minus strand). Cytogenetic location: 9q22.33.
Variant type: single nucleotide variant.
Coding change: c.7G>C on transcript NM_173551.5 (MANE Select); coding-DNA position 7, G replaced by C.
Protein change: p.Glu3Gln; replaces glutamic acid 3 with glutamine.
Molecular consequence: missense variant.
Genome position (GRCh38, 1-based): chr9:98,796,485, C>G on the plus strand (G>C on the coding strand, the complement: ANKS6 is on the minus strand). VCF-style: chr9-98796485-C-G. GRCh37 (hg19) VCF-style: chr9-101558767-C-G.
Other names: c.7G>C (NM_173551.3); short protein forms E3Q.
Identifiers: ClinVar variation 962631 (VCV000962631.11), dbSNP rs974222769, ClinGen allele CA196829362.